The following is an entry in ClinVar:

NM_001127671.2(LIFR):c.1429_1430insT (p.Gln477fs)

Gene: LIFR (LIF receptor subunit alpha; minus strand). Cytogenetic location: 5p13.1.
Variant type: Insertion.
Coding change: c.1429_1430insT on transcript NM_001127671.2 (MANE Select); coding-DNA positions 1429 to 1430, T inserted.
Protein change: p.Gln477fs; shifts the reading frame from glutamine 477.
Molecular consequence: frameshift variant.
Genome position: GRCh38 VCF-style: chr5-38503983-T-TA. GRCh37 (hg19) VCF-style: chr5-38504085-T-TA.
Other names: c.1429_1430insT, p.Gln477fs (NM_001364297.2, NM_001364298.2, NM_002310.6); short protein forms Q477fs.
Identifiers: ClinVar variation 1457803 (VCV001457803.7), dbSNP rs765602627, ClinGen allele CA3242954.

ClinVar aggregate classification (germline): Pathogenic/Likely pathogenic. Review status: criteria provided, multiple submitters, no conflicts (2 of 4 stars). 2 submissions from 2 submitters: Pathogenic (1); Likely pathogenic (1). Last evaluated 2023-11-08.

Conditions:
Stüve-Wiedemann syndrome 1. Also called: STUVE-WIEDEMANN/SCHWARTZ-JAMPEL TYPE 2 SYNDROME. Identifiers: Orphanet 3206, MedGen C5676888, MONDO:0800043, OMIM 601559.

Allele frequency attached by ClinVar (database versions not stated): gnomAD exomes below 0.00001; ExAC 0.00001; gnomAD 0.00001.

Submissions (2):

Revvity Omics, Revvity
Classification: Likely pathogenic for Stüve-Wiedemann syndrome 1. Last evaluated: 2023-11-08. Review status: criteria provided, single submitter. Criteria: ACMG Guidelines, 2015. Collection method: clinical testing. Allele origin: germline.

Labcorp Genetics (formerly Invitae), Labcorp
Classification: Pathogenic. Last evaluated: 2023-05-22. Review status: criteria provided, single submitter. Criteria: Invitae Variant Classification Sherloc (09022015). Collection method: clinical testing. Allele origin: germline.
Comment: For these reasons, this variant has been classified as Pathogenic. Algorithms developed to predict the effect of sequence changes on RNA splicing suggest that this variant may disrupt the consensus splice site. ClinVar contains an entry for this variant (Variation ID: 1457803). This variant has not been reported in the literature in individuals affected with LIFR-related conditions. This variant is present in population databases (rs765602627, gnomAD 0.003%). This sequence change creates a premature translational stop signal (p.Gln477Leufs*38) in the LIFR gene. It is expected to result in an absent or disrupted protein product. Loss-of-function variants in LIFR are known to be pathogenic (PMID: 14740318).

Literature cited by the submitters: PubMed 14740318 (cited by Labcorp Genetics (formerly Invitae), Labcorp).